The following is an entry in ClinVar:

ClinVar aggregate classification (germline): Uncertain significance (1 of 4 stars; one submission).

Conditions:
Dilated cardiomyopathy 1W (CMD1W). Identifiers: Orphanet 154, MedGen C1969639, MONDO:0012667, OMIM 611407.

Submission:

Labcorp Genetics (formerly Invitae), Labcorp
Classification: Uncertain significance for Dilated cardiomyopathy 1W. Last evaluated: 2019-02-04. Review status: criteria provided, single submitter. Criteria: Invitae Variant Classification Sherloc (09022015). Collection method: clinical testing. Allele origin: germline.
Comment: This variant is not present in population databases (ExAC no frequency). In summary, the available evidence is currently insufficient to determine the role of this variant in disease. Therefore, it has been classified as a Variant of Uncertain Significance. Algorithms developed to predict the effect of missense changes on protein structure and function (SIFT, PolyPhen-2, Align-GVGD) all suggest that this variant is likely to be disruptive, but these predictions have not been confirmed by published functional studies and their clinical significance is uncertain. This variant has not been reported in the literature in individuals with VCL-related conditions. This sequence change replaces glutamic acid with glycine at codon 82 of the VCL protein (p.Glu82Gly). The glutamic acid residue is highly conserved and there is a moderate physicochemical difference between glutamic acid and glycine.

NM_014000.3(VCL):c.245A>G (p.Glu82Gly)

Gene: VCL (vinculin; plus strand). Cytogenetic location: 10q22.2.
Variant type: single nucleotide variant.
Coding change: c.245A>G on transcript NM_014000.3 (MANE Select); coding-DNA position 245, A replaced by G.
Protein change: p.Glu82Gly; replaces glutamic acid 82 with glycine.
Molecular consequence: missense variant.
Genome position (GRCh38, 1-based): chr10:74,070,675, A>G. VCF-style: chr10-74070675-A-G. GRCh37 (hg19) VCF-style: chr10-75830433-A-G.
Other names: c.245A>G, p.Glu82Gly (NM_003373.4); short protein forms E82G.
Identifiers: ClinVar variation 843670 (VCV000843670.8), dbSNP rs1841649623, ClinGen allele CA377265655.